The following is an entry in ClinVar:

NM_000548.5(TSC2):c.1987C>G (p.Leu663Val)

Gene: TSC2 (TSC complex subunit 2; plus strand). Cytogenetic location: 16p13.3.
Variant type: single nucleotide variant.
Coding change: c.1987C>G on transcript NM_000548.5 (MANE Select); coding-DNA position 1987, C replaced by G.
Protein change: p.Leu663Val; replaces leucine 663 with valine.
Molecular consequence: missense variant.
Genome position (GRCh38, 1-based): chr16:2,071,824, C>G. VCF-style: chr16-2071824-C-G. GRCh37 (hg19) VCF-style: chr16-2121825-C-G.
Other names: c.1876C>G, p.Leu626Val (NM_001318827.2); c.1840C>G, p.Leu614Val (NM_001318829.2); c.1387C>G, p.Leu463Val (NM_001318831.2); c.2020C>G, p.Leu674Val (NM_001318832.2); c.1987C>G, p.Leu663Val (NM_001363528.2, NM_001370404.1, NM_001370405.1 and 3 more transcripts); c.1987C>G (NM_000548.3); short protein forms L463V, L614V, L626V, L663V, L674V.
Identifiers: ClinVar variation 1694777 (VCV001694777.32), dbSNP rs747516623, ClinGen allele CA394274396.

ClinVar aggregate classification (germline): Uncertain significance. Review status: criteria provided, multiple submitters, no conflicts (2 of 4 stars). 3 submissions from 3 submitters: Uncertain significance (3). Last evaluated 2025-12-18.

Conditions:
Tuberous sclerosis 2 (TSC2). Identifiers: Orphanet 805, MedGen C1860707, MONDO:0013199, OMIM 613254.
Hereditary cancer-predisposing syndrome. Also called: Neoplastic Syndromes, Hereditary; Hereditary neoplastic syndrome; Tumor predisposition; Hereditary Cancer Syndrome. Identifiers: Orphanet 140162, MedGen C0027672, MeSH D009386, MONDO:0015356.

Submissions (3):

Ambry Genetics
Classification: Uncertain significance for Hereditary cancer-predisposing syndrome. Last evaluated: 2025-12-18. Review status: criteria provided, single submitter. Criteria: Ambry Variant Classification Scheme 2023. Collection method: clinical testing. Allele origin: germline.
Comment: The p.L663V variant (also known as c.1987C>G), located in coding exon 18 of the TSC2 gene, results from a C to G substitution at nucleotide position 1987. The leucine at codon 663 is replaced by valine, an amino acid with highly similar properties. This amino acid position is well conserved in available vertebrate species. In addition, the in silico prediction for this alteration is inconclusive. Based on the available evidence, the clinical significance of this variant remains unclear.

Labcorp Genetics (formerly Invitae), Labcorp
Classification: Uncertain significance for Tuberous sclerosis 2. Last evaluated: 2025-07-15. Review status: criteria provided, single submitter. Criteria: Invitae Variant Classification Sherloc (09022015). Collection method: clinical testing. Allele origin: germline.
Comment: This sequence change replaces leucine, which is neutral and non-polar, with valine, which is neutral and non-polar, at codon 663 of the TSC2 protein (p.Leu663Val). This variant is not present in population databases (gnomAD no frequency). This variant has not been reported in the literature in individuals affected with TSC2-related conditions. ClinVar contains an entry for this variant (Variation ID: 1694777). Invitae Evidence Modeling of protein sequence and biophysical properties (such as structural, functional, and spatial information, amino acid conservation, physicochemical variation, residue mobility, and thermodynamic stability) indicates that this missense variant is not expected to disrupt TSC2 protein function with a negative predictive value of 95%. In summary, the available evidence is currently insufficient to determine the role of this variant in disease. Therefore, it has been classified as a Variant of Uncertain Significance.

CeGaT Center for Human Genetics Tuebingen
Classification: Uncertain significance. Last evaluated: 2022-06-01. Review status: criteria provided, single submitter. Criteria: CeGaT Center For Human Genetics Tuebingen Variant Classification Criteria Version 2. Collection method: clinical testing. Allele origin: germline. Affected: yes. Observed: 1 variant allele.
Comment: TSC2: PM2